The following is an entry in ClinVar:

NM_001290403.2(TAL1):c.80C>G (p.Ala27Gly)

Gene: TAL1 (TAL bHLH transcription factor 1, erythroid differentiation factor; minus strand). Cytogenetic location: 1p33.
Variant type: single nucleotide variant.
Coding change: c.80C>G on transcript NM_001290403.2 (MANE Select); coding-DNA position 80, C replaced by G.
Protein change: p.Ala27Gly; replaces alanine 27 with glycine.
Molecular consequence: missense variant. On other transcripts: intron variant (1).
Genome position (GRCh38, 1-based): chr1:47,225,809, G>C on the plus strand (C>G on the coding strand, the complement: TAL1 is on the minus strand). VCF-style: chr1-47225809-G-C. GRCh37 (hg19) VCF-style: chr1-47691481-G-C.
Other names: c.80C>G, p.Ala27Gly (NM_001287347.2, NM_001290404.1, NM_001290405.1 and 1 more transcripts); c.-31-1711C>G (NM_001290406.2); short protein forms A27G.
Identifiers: ClinVar variation 3050612 (VCV003050612.2), dbSNP rs200636503, ClinGen allele CA841864.

ClinVar aggregate classification (germline): Likely benign (0 of 4 stars; one submission).

Conditions:
TAL1-related disorder. Also called: TAL1-related condition.

Allele frequency attached by ClinVar (database versions not stated): TOPMed 0.00132; 1000 Genomes Project 0.00200; 1000 Genomes Project 30x 0.00234.
gnomAD v4.1: 339 of 1,574,762 alleles (0.022%); highest among the groups gnomAD compares: African/African-American, 0.42%; 1 homozygote.

Submission:

PreventionGenetics, part of Exact Sciences
Classification: Likely benign for TAL1-related condition. Last evaluated: 2022-04-21. Review status: no assertion criteria provided. Collection method: clinical testing. Allele origin: germline.
Comment: This variant is classified as likely benign based on ACMG/AMP sequence variant interpretation guidelines (Richards et al. 2015 PMID: 25741868, with internal and published modifications).